The following is an entry in ClinVar:

ClinVar aggregate classification (germline): Likely benign. Review status: criteria provided, multiple submitters, no conflicts (2 of 4 stars). 2 submissions from 2 submitters: Likely benign (2). Last evaluated 2026-02-10.

Conditions:
PLEC-related disorder. Also called: PLEC-related disorders; PLEC-related condition.
Epidermolysis bullosa simplex with nail dystrophy (EBS5D). Identifiers: MedGen C4225309, MONDO:0014661, OMIM 616487.
Epidermolysis bullosa simplex 5B, with muscular dystrophy (EBS5B). Also called: Epidermolysis bullosa simplex with muscular dystrophy; EPIDERMOLYSIS BULLOSA SIMPLEX AND LIMB-GIRDLE MUSCULAR DYSTROPHY. Identifiers: Orphanet 257, MedGen C2931072, MONDO:0009181, OMIM 226670.
Autosomal recessive limb-girdle muscular dystrophy type 2Q (LGMDR17). Also called: MUSCULAR DYSTROPHY, LIMB-GIRDLE, AUTOSOMAL RECESSIVE 17. Identifiers: Orphanet 254361, MedGen C3150989, MONDO:0013390, OMIM 613723.
Epidermolysis bullosa simplex 5C, with pyloric atresia (EBS5C). Also called: PLEC-Related Epidermolysis Bullosa with Pyloric Atresia; Epidermolysis bullosa simplex with pyloric atresia; PLEC1-Related Epidermolysis Bullosa with Pyloric Atresia. Identifiers: Orphanet 158684, MedGen C2677349, MONDO:0012807, OMIM 612138.
Epidermolysis bullosa simplex, Ogna type (EBS5A). Also called: Pidermolysis bullosa simplex 5A, Ogna type; EPIDERMOLYSIS BULLOSA SIMPLEX 5A, OGNA TYPE. Identifiers: Orphanet 79401, MedGen C0432317, MONDO:0007555, OMIM 131950.

Allele frequency attached by ClinVar (database versions not stated): gnomAD exomes 0.00002; gnomAD 0.00006 and 0.00007; TOPMed 0.00007.
gnomAD v4.1: 55 of 1,593,568 alleles (0.0035%); highest among the groups gnomAD compares: African/African-American, 0.022%; no homozygotes.

Submissions (2):

PreventionGenetics, part of Exact Sciences
Classification: Likely benign for PLEC-related condition. Last evaluated: 2026-02-10. Review status: criteria provided, single submitter. Criteria: ACMG Guidelines, 2015. Collection method: clinical testing. Allele origin: germline.
Comment: This variant is classified as likely benign based on ACMG/AMP sequence variant interpretation guidelines (Richards et al. 2015 PMID: 25741868, with internal and published modifications).

Labcorp Genetics (formerly Invitae), Labcorp
Classification: Likely benign for Autosomal recessive limb-girdle muscular dystrophy type 2Q; Epidermolysis bullosa simplex, Ogna type; Epidermolysis bullosa simplex with nail dystrophy; Epidermolysis bullosa simplex 5C, with pyloric atresia; Epidermolysis bullosa simplex 5B, with muscular dystrophy. Last evaluated: 2025-01-06. Review status: criteria provided, single submitter. Criteria: Invitae Variant Classification Sherloc (09022015). Collection method: clinical testing. Allele origin: germline.

NM_201384.3(PLEC):c.5895C>T (p.Ala1965=)

Gene: PLEC (plectin; minus strand). Cytogenetic location: 8q24.3.
Variant type: single nucleotide variant.
Coding change: c.5895C>T on transcript NM_201384.3 (MANE Select); coding-DNA position 5895, C replaced by T.
Protein change: p.Ala1965=; no amino-acid change (alanine 1965 retained).
Molecular consequence: synonymous variant.
Genome position (GRCh38, 1-based): chr8:143,924,034, G>A on the plus strand (C>T on the coding strand, the complement: PLEC is on the minus strand). VCF-style: chr8-143924034-G-A. GRCh37 (hg19) VCF-style: chr8-144998202-G-A.
Other names: c.5976C>T, p.Ala1992= (NM_000445.5); c.5853C>T, p.Ala1951= (NM_201378.4); c.5829C>T, p.Ala1943= (NM_201379.3); c.6306C>T, p.Ala2102= (NM_201380.4); c.5799C>T, p.Ala1933= (NM_201381.3); c.5895C>T, p.Ala1965= (NM_201382.4); c.5907C>T, p.Ala1969= (NM_201383.3).
Identifiers: ClinVar variation 703820 (VCV000703820.8), dbSNP rs899618947, ClinGen allele CA187615301.